The following is an entry in ClinVar:

ClinVar aggregate classification (germline): Uncertain significance (1 of 4 stars; one submission).

gnomAD v4.1: 1 of 1,613,090 alleles (0.000062%); highest among the groups gnomAD compares: Non-Finnish European, 0.000085%; no homozygotes.

Submission:

Labcorp Genetics (formerly Invitae), Labcorp
Classification: Uncertain significance. Last evaluated: 2021-08-14. Review status: criteria provided, single submitter. Criteria: Invitae Variant Classification Sherloc (09022015). Collection method: clinical testing. Allele origin: germline.
Comment: Algorithms developed to predict the effect of missense changes on protein structure and function are either unavailable or do not agree on the potential impact of this missense change (SIFT: "Not Available"; PolyPhen-2: "Benign"; Align-GVGD: "Not Available"). This variant has not been reported in the literature in individuals with ZFP57-related conditions. This variant is not present in population databases (ExAC no frequency). This sequence change replaces arginine with serine at codon 222 of the ZFP57 protein (p.Arg222Ser). The arginine residue is moderately conserved and there is a moderate physicochemical difference between arginine and serine. In summary, the available evidence is currently insufficient to determine the role of this variant in disease. Therefore, it has been classified as a Variant of Uncertain Significance.

NM_001109809.5(ZFP57):c.666A>T (p.Arg222Ser)

Gene: ZFP57 (ZFP57 zinc finger protein; minus strand). Cytogenetic location: 6p22.1.
Variant type: single nucleotide variant.
Coding change: c.666A>T on transcript NM_001109809.5 (MANE Select); coding-DNA position 666, A replaced by T.
Protein change: p.Arg222Ser; replaces arginine 222 with serine.
Molecular consequence: missense variant.
Genome position (GRCh38, 1-based): chr6:29,673,445, T>A on the plus strand (A>T on the coding strand, the complement: ZFP57 is on the minus strand). VCF-style: chr6-29673445-T-A. GRCh37 (hg19) VCF-style: chr6-29641222-T-A.
Other names: c.450A>T, p.Arg150Ser (NM_001366333.2); short protein forms R150S, R222S.
Identifiers: ClinVar variation 1448090 (VCV001448090.8), dbSNP rs2127544743, ClinGen allele CA363045934.
Genomic context (GRCh38, chr6:29,673,445, plus strand): 5'-ATCACAGTAGGTCTTGTCACAGAGCGTGCAACAGAAGGGCCTCTCCCCAAGATGCATGCG[T>A]CTGTGATAGCTGAGGGACTTGGGGCTCCGAAACAACTTCCCACACTGACTGCAGCTGTTA-3'
Protein context (NP_001103279.2, residues 212-232): FRSPKSLSYH[Arg222Ser]RMHLGERPFC